The following is an entry in ClinVar:

NM_000400.4(ERCC2):c.1681A>G (p.Ile561Val)

Gene: ERCC2 (ERCC excision repair 2, TFIIH core complex helicase subunit; minus strand). Cytogenetic location: 19q13.32.
Variant type: single nucleotide variant.
Coding change: c.1681A>G on transcript NM_000400.4 (MANE Select); coding-DNA position 1681, A replaced by G.
Protein change: p.Ile561Val; replaces isoleucine 561 with valine.
Molecular consequence: missense variant.
Genome position (GRCh38, 1-based): chr19:45,353,319, T>C on the plus strand (A>G on the coding strand, the complement: ERCC2 is on the minus strand). VCF-style: chr19-45353319-T-C. GRCh37 (hg19) VCF-style: chr19-45856577-T-C.
Other names: short protein forms I561V.
Identifiers: ClinVar variation 2447126 (VCV002447126.2), dbSNP rs1971891817, ClinGen allele CA406364516.

ClinVar aggregate classification (germline): Uncertain significance (1 of 4 stars; one submission).

Conditions:
Inborn genetic diseases. Identifiers: MedGen C0950123, MeSH D030342.

Allele frequency attached by ClinVar (database versions not stated): gnomAD exomes below 0.00001; gnomAD 0.00001.
gnomAD v4.1: 3 of 1,613,796 alleles (0.00019%); highest among the groups gnomAD compares: Non-Finnish European, 0.00025%; no homozygotes.

Submission:

Ambry Genetics
Classification: Uncertain significance for Inborn genetic diseases. Last evaluated: 2022-11-23. Review status: criteria provided, single submitter. Criteria: Ambry Variant Classification Scheme 2023. Collection method: clinical testing. Allele origin: germline.
Comment: The p.I561V variant (also known as c.1681A>G), located in coding exon 18 of the ERCC2 gene, results from an A to G substitution at nucleotide position 1681. The isoleucine at codon 561 is replaced by valine, an amino acid with highly similar properties. This amino acid position is conserved. In addition, this alteration is predicted to be tolerated by in silico analysis. Since supporting evidence is limited at this time, the clinical significance of this alteration remains unclear.